The following is an entry in ClinVar:

ClinVar aggregate classification (germline): Likely benign. Review status: criteria provided, multiple submitters, no conflicts (2 of 4 stars). 4 submissions from 4 submitters: Likely benign (4). Last evaluated 2025-11-22.

Conditions:
BRCA2-related disorder. Also called: BRCA2-related condition; BRCA2-related disorders. Identifiers: MedGen CN239275.
Hereditary cancer-predisposing syndrome. Also called: Neoplastic Syndromes, Hereditary; Hereditary Cancer Syndrome; Tumor predisposition; Hereditary neoplastic syndrome. Identifiers: Orphanet 140162, MedGen C0027672, MeSH D009386, MONDO:0015356.
Hereditary breast ovarian cancer syndrome. Also called: BRCA1- and BRCA2-Associated Hereditary Breast and Ovarian Cancer; Hereditary breast and ovarian cancer; Hereditary breast and ovarian cancer syndrome; Hereditary breast and ovarian cancer syndrome (HBOC); Hereditary breast and/or ovarian cancer syndrome; Breast and ovarian cancer. Identifiers: Orphanet 145, MedGen C0677776, MeSH D061325, MONDO:0003582. Disease mechanism: loss of function.

Submissions (4):

Labcorp Genetics (formerly Invitae), Labcorp
Classification: Likely benign for Hereditary breast ovarian cancer syndrome. Last evaluated: 2025-11-22. Review status: criteria provided, single submitter. Criteria: Invitae Variant Classification Sherloc (09022015). Collection method: clinical testing. Allele origin: germline.

PreventionGenetics, part of Exact Sciences
Classification: Likely benign for BRCA2-related condition. Last evaluated: 2025-10-22. Review status: criteria provided, single submitter. Criteria: ACMG Guidelines, 2015. Collection method: clinical testing. Allele origin: germline.
Comment: This variant is classified as likely benign based on ACMG/AMP sequence variant interpretation guidelines (Richards et al. 2015 PMID: 25741868, with internal and published modifications).

Ambry Genetics
Classification: Likely benign for Hereditary cancer-predisposing syndrome. Last evaluated: 2021-02-18. Review status: criteria provided, single submitter. Criteria: Ambry Variant Classification Scheme 2023. Collection method: clinical testing. Allele origin: germline.

Color Diagnostics, LLC DBA Color Health
Classification: Likely benign for Hereditary cancer-predisposing syndrome. Last evaluated: 2017-11-01. Review status: criteria provided, single submitter. Criteria: ACMG Guidelines, 2015. Collection method: clinical testing. Allele origin: germline.

NM_000059.4(BRCA2):c.8889A>G (p.Ser2963=)

Gene: BRCA2 (BRCA2 DNA repair associated; plus strand). Cytogenetic location: 13q13.1.
Variant type: single nucleotide variant.
Coding change: c.8889A>G on transcript NM_000059.4 (MANE Select); coding-DNA position 8889, A replaced by G.
Protein change: p.Ser2963=; no amino-acid change (serine 2963 retained).
Molecular consequence: synonymous variant.
Genome position (GRCh38, 1-based): chr13:32,379,451, A>G. VCF-style: chr13-32379451-A-G. GRCh37 (hg19) VCF-style: chr13-32953588-A-G.
Identifiers: ClinVar variation 491364 (VCV000491364.11), dbSNP rs1555288390, ClinGen allele CA483261980.